The following is an entry in ClinVar:

NM_183075.3(CYP2U1):c.811A>G (p.Asn271Asp)

Gene: CYP2U1 (cytochrome P450 family 2 subfamily U member 1; plus strand). Cytogenetic location: 4q25.
Variant type: single nucleotide variant.
Coding change: c.811A>G on transcript NM_183075.3 (MANE Select); coding-DNA position 811, A replaced by G.
Protein change: p.Asn271Asp; replaces asparagine 271 with aspartic acid.
Molecular consequence: missense variant.
Genome position (GRCh38, 1-based): chr4:107,945,290, A>G. VCF-style: chr4-107945290-A-G. GRCh37 (hg19) VCF-style: chr4-108866446-A-G.
Other names: short protein forms N271D.
Identifiers: ClinVar variation 392874 (VCV000392874.2), dbSNP rs1057524672, ClinGen allele CA16604539.
Genomic context (GRCh38, chr4:107,945,290, plus strand): 5'-ATGCTTGGTTTTATGTCACGAGGCCTAGAAATCTGTCTGAACAGTCAAGTCCTCCTGGTC[A>G]ACATATGCCCTTGGCTTTATTACCTTCCCTTTGGACCATTTAAGGAATTAAGACAAATTG-3'
Protein context (NP_898898.1, residues 261-281): ICLNSQVLLV[Asn271Asp]ICPWLYYLPF

ClinVar aggregate classification (germline): Uncertain significance (1 of 4 stars; one submission).

Submission:

GeneDx
Classification: Uncertain significance. Last evaluated: 2017-10-26. Review status: criteria provided, single submitter. Criteria: GeneDx Variant Classification (06012015). Collection method: clinical testing. Allele origin: germline. Affected: yes.
Comment: The N271D variant in the CYP2U1 gene has not been reported previously as a pathogenic variant, nor as a benign variant, to our knowledge. The N271D variant was not observed in approximately 6,500 individuals of European and African American ancestry in the NHLBI Exome Sequencing Project, indicating it is not a common benign variant in these populations. The N271D variant is a semi-conservative amino acid substitution, which may impact secondary protein structure as these residues differ in some properties. This substitution occurs at a position that is conserved across species and in silico analysis predicts this variant is probably damaging to the protein structure/function. We interpret N271D as a variant of uncertain significance.